The following is an entry in ClinVar:

ClinVar aggregate classification (germline): Uncertain significance. Review status: criteria provided, multiple submitters, no conflicts (2 of 4 stars). 4 submissions from 4 submitters: Uncertain significance (4). Last evaluated 2025-12-09.

Conditions:
Bilateral sensorineural hearing impairment. Also called: Bilateral sensorineural hearing loss. Identifiers: MedGen C0452138, HP:0008619.
Intervertebral disc disorder (IDD). Also called: Lumbar disk degenerative disorder; INTERVERTEBRAL DISC DISEASE. Identifiers: MedGen C0158252, MONDO:0044339, OMIM 603932.
Epiphyseal dysplasia, multiple, 3 (EDM3). Also called: Epiphyseal dysplasia, multiple, 3, with or without myopathy; COL9A3-Related Multiple Epiphyseal Dysplasia. Identifiers: MedGen C1832998, MONDO:0010964, OMIM 600969.

Allele frequency attached by ClinVar (database versions not stated): gnomAD exomes 0.00001 and 0.00002; TOPMed 0.00003; ExAC 0.00003.
gnomAD v4.1: 13 of 1,611,748 alleles (0.00081%); highest among the groups gnomAD compares: East Asian, 0.0045%; no homozygotes.

Submissions (4):

Labcorp Genetics (formerly Invitae), Labcorp
Classification: Uncertain significance. Last evaluated: 2025-12-09. Review status: criteria provided, single submitter. Criteria: Invitae Variant Classification Sherloc (09022015). Collection method: clinical testing. Allele origin: germline.
Comment: This sequence change replaces arginine, which is basic and polar, with cysteine, which is neutral and slightly polar, at codon 583 of the COL9A3 protein (p.Arg583Cys). This variant is present in population databases (rs778892188, gnomAD 0.01%). This variant has not been reported in the literature in individuals affected with COL9A3-related conditions. ClinVar contains an entry for this variant (Variation ID: 375457). Invitae Evidence Modeling of protein sequence and biophysical properties (such as structural, functional, and spatial information, amino acid conservation, physicochemical variation, residue mobility, and thermodynamic stability) indicates that this missense variant is not expected to disrupt COL9A3 protein function with a negative predictive value of 95%. In summary, the available evidence is currently insufficient to determine the role of this variant in disease. Therefore, it has been classified as a Variant of Uncertain Significance.

Dasa
Classification: Uncertain significance. Last evaluated: 2024-10-07. Review status: criteria provided, single submitter. Criteria: DASA Assertion Criteria. Collection method: clinical testing. Allele origin: germline.
Comment: NM_001853.4(COL9A3):c.1747C>T (p.Arg583Cys) is a missense variant that results in the substitution of arginine with cysteine. Multiple computational predictions support a deleterious effect on the gene or gene product. The variant is present at low frequency in population datasets. Based on the available data, this variant is classified as variant of uncertain significance.

Fulgent Genetics
Classification: Uncertain significance for Epiphyseal dysplasia, multiple, 3; Intervertebral disc disorder. Last evaluated: 2021-09-08. Review status: criteria provided, single submitter. Criteria: ACMG Guidelines, 2015. Collection method: clinical testing. Allele origin: unknown.

Center of Genomic medicine, Geneva, University Hospital of Geneva
Classification: Uncertain significance for Bilateral sensorineural hearing impairment. Last evaluated: 2016-02-09. Review status: criteria provided, single submitter. Criteria: ACMG Guidelines, 2015. Collection method: clinical testing. Allele origin: paternal. Affected: yes.

NM_001853.4(COL9A3):c.1747C>T (p.Arg583Cys)

Gene: COL9A3 (collagen type IX alpha 3 chain; plus strand). Cytogenetic location: 20q13.33.
Variant type: single nucleotide variant.
Coding change: c.1747C>T on transcript NM_001853.4 (MANE Select); coding-DNA position 1747, C replaced by T.
Protein change: p.Arg583Cys; replaces arginine 583 with cysteine.
Molecular consequence: missense variant.
Genome position (GRCh38, 1-based): chr20:62,837,226, C>T. VCF-style: chr20-62837226-C-T. GRCh37 (hg19) VCF-style: chr20-61468578-C-T.
Other names: c.1747C>T, p.Arg583Cys (LRG_1253t1); short protein forms R583C.
Identifiers: ClinVar variation 375457 (VCV000375457.13), dbSNP rs778892188, ClinGen allele CA9950178.